The following is an entry in ClinVar:

ClinVar aggregate classification (germline): Likely benign. Review status: criteria provided, single submitter (1 of 4 stars). 2 submissions from 2 submitters: Likely benign (1). 1 of the submissions does not count toward it. Last evaluated 2024-04-16.

Conditions:
SDCCAG8-related disorder. Also called: SDCCAG8-Related Disorders; SDCCAG8-related condition.
Bardet-Biedl syndrome 16 (BBS16). Identifiers: Orphanet 110, MedGen C3889474, MONDO:0014444, OMIM 615993.
Senior-Loken syndrome 7 (SLSN7). Identifiers: Orphanet 3156, MedGen C3150877, MONDO:0013326, OMIM 613615.

Allele frequency attached by ClinVar (database versions not stated): gnomAD exomes below 0.00001; TOPMed below 0.00001; ExAC 0.00001; gnomAD 0.00001 and 0.00002; ESP Exome Variant Server 0.00008.
gnomAD v4.1: 6 of 1,613,910 alleles (0.00037%); highest among the groups gnomAD compares: Admixed American, 0.0017%; no homozygotes.

Submissions (2):

Labcorp Genetics (formerly Invitae), Labcorp
Classification: Likely benign for Bardet-Biedl syndrome 16; Senior-Loken syndrome 7. Last evaluated: 2024-04-16. Review status: criteria provided, single submitter. Criteria: Invitae Variant Classification Sherloc (09022015). Collection method: clinical testing. Allele origin: germline.

PreventionGenetics, part of Exact Sciences
Classification: Likely benign for SDCCAG8-related condition. Last evaluated: 2024-07-08. Review status: no assertion criteria provided. Collection method: clinical testing. Allele origin: germline. Not counted in ClinVar's aggregate classification.
Comment: This variant is classified as likely benign based on ACMG/AMP sequence variant interpretation guidelines (Richards et al. 2015 PMID: 25741868, with internal and published modifications).

NM_006642.5(SDCCAG8):c.517C>T (p.Leu173=)

Gene: SDCCAG8 (SHH signaling and ciliogenesis regulator SDCCAG8; plus strand). Cytogenetic location: 1q43.
Variant type: single nucleotide variant.
Coding change: c.517C>T on transcript NM_006642.5 (MANE Select); coding-DNA position 517, C replaced by T.
Protein change: p.Leu173=; no amino-acid change (leucine 173 retained).
Molecular consequence: synonymous variant. On other transcripts: 5 prime UTR variant (3).
Genome position (GRCh38, 1-based): chr1:243,286,368, C>T. VCF-style: chr1-243286368-C-T. GRCh37 (hg19) VCF-style: chr1-243449670-C-T.
Other names: c.-596C>T (NM_001350246.2); c.-484C>T (NM_001350247.2); c.517C>T, p.Leu173= (NM_001350248.2); c.223C>T, p.Leu75= (NM_001350249.2); c.-857C>T (NM_001350251.2).
Identifiers: ClinVar variation 767009 (VCV000767009.7), dbSNP rs373877739, ClinGen allele CA1483326.